The following is an entry in ClinVar:

ClinVar aggregate classification (germline): Likely benign (1 of 4 stars; one submission).

gnomAD v4.1: 2 of 1,613,974 alleles (0.00012%); highest among the groups gnomAD compares: Admixed American, 0.0033%; no homozygotes.

Submission:

CeGaT Center for Human Genetics Tuebingen
Classification: Likely benign. Last evaluated: 2026-07-01. Review status: criteria provided, single submitter. Criteria: CeGaT Center For Human Genetics Tuebingen Variant Classification Criteria Version 2. Collection method: clinical testing. Allele origin: germline. Affected: yes. Observed: 1 variant allele.
Comment: DMXL2: BP4, BP7

NM_001378457.1(DMXL2):c.3270C>T (p.Ile1090=)

Gene: DMXL2 (Dmx like 2; minus strand). Cytogenetic location: 15q21.2.
Variant type: single nucleotide variant.
Coding change: c.3270C>T on transcript NM_001378457.1 (MANE Select); coding-DNA position 3270, C replaced by T.
Protein change: p.Ile1090=; no amino-acid change (isoleucine 1090 retained).
Molecular consequence: synonymous variant. On other transcripts: non-coding transcript variant (2), intron variant (2).
Genome position (GRCh38, 1-based): chr15:51,499,954, G>A on the plus strand (C>T on the coding strand, the complement: DMXL2 is on the minus strand). VCF-style: chr15-51499954-G-A. GRCh37 (hg19) VCF-style: chr15-51792151-G-A.
Other names: c.3270C>T, p.Ile1090= (NM_001174116.3, NM_001378458.1, NM_001378459.1 and 4 more transcripts); c.3030C>T, p.Ile1010= (NM_001378464.1); c.2764+7180C>T (NM_001378460.1); c.2765-4820C>T (NM_001174117.3).
Identifiers: ClinVar variation 5038933 (VCV005038933.1).